The following is an entry in ClinVar:

ClinVar aggregate classification (germline): Pathogenic (1 of 4 stars; one submission).

Conditions:
CCDC115-CDG. Also called: CDG IIo; CONGENITAL DISORDER OF GLYCOSYLATION, TYPE IIo. Identifiers: Orphanet 468684, MedGen C4225191, MONDO:0014789, OMIM 616828.

Submission:

Women's Health and Genetics/Laboratory Corporation of America, LabCorp
Classification: Pathogenic for CCDC115-CDG. Last evaluated: 2025-01-23. Review status: criteria provided, single submitter. Criteria: LabCorp Variant Classification Summary - May 2015. Collection method: clinical testing. Allele origin: germline.
Comment: Variant summary: CCDC115 c.227delA (p.Glu76GlyfsX9) results in a premature termination codon, predicted to cause absence of the protein due to nonsense mediated decay, which is a commonly known mechanism for disease. The variant allele was found at a frequency of 1.2e-05 in 249340 control chromosomes. To our knowledge, no occurrence of c.227delA in individuals affected with Congenital Disorder Of Glycosylation Type IIo and no experimental evidence demonstrating its impact on protein function have been reported. No submitters have cited clinical-significance assessments for this variant to ClinVar. Based on the evidence outlined above, the variant was classified as pathogenic.

NM_032357.4(VMA22):c.227del (p.Glu76fs)

Gene: VMA22 (vacuolar ATPase assembly factor VMA22; minus strand). Cytogenetic location: 2q21.1.
Variant type: Deletion.
Coding change: c.227del on transcript NM_032357.4 (MANE Select); coding-DNA position 227, one base deleted (A; older notation c.227delA).
Protein change: p.Glu76fs; shifts the reading frame from glutamic acid 76.
Molecular consequence: frameshift variant. On other transcripts: non-coding transcript variant (2).
Genome position (GRCh38, 1-based): chr2:130,341,738, T deleted on the plus strand (A on the coding strand, the reverse complement: VMA22 is on the minus strand). VCF-style (leftmost placement, unchanged base first): chr2-130341737-CT-C. GRCh37 (hg19) VCF-style: chr2-131099310-CT-C.
Other names: c.212del, p.Glu71fs (NM_001321118.1); c.203del, p.Glu68fs (NM_001321119.2); c.227delA (NM_032357.4); short protein forms E68fs, E71fs, E76fs.
Identifiers: ClinVar variation 3772685 (VCV003772685.1).